The following is an entry in ClinVar:

NM_016284.5(CNOT1):c.2971-10A>T

Gene: CNOT1 (CCR4-NOT transcription complex subunit 1; minus strand). Cytogenetic location: 16q21.
Variant type: single nucleotide variant.
Coding change: c.2971-10A>T on transcript NM_016284.5 (MANE Select); 10 bases into the intron before coding-DNA position 2971, A replaced by T.
Molecular consequence: intron variant.
Genome position (GRCh38, 1-based): chr16:58,551,829, T>A on the plus strand (A>T on the coding strand, the complement: CNOT1 is on the minus strand). VCF-style: chr16-58551829-T-A. GRCh37 (hg19) VCF-style: chr16-58585733-T-A.
Other names: c.2956-10A>T (NM_001265612.2); c.2971-10A>T (NM_206999.3, NM_016284.4).
Identifiers: ClinVar variation 712846 (VCV000712846.17), dbSNP rs11860588, ClinGen allele CA8089530.

ClinVar aggregate classification (germline): Benign/Likely benign. Review status: criteria provided, multiple submitters, no conflicts (2 of 4 stars). 5 submissions from 5 submitters: Benign (3); Likely benign (1). 1 of the submissions does not count toward it. Last evaluated 2026-01-23.

Conditions:
CNOT1-related disorder. Also called: CNOT1-related condition.

Allele frequency attached by ClinVar (database versions not stated): 1000 Genomes Project 0.00280; 1000 Genomes Project 30x 0.00328; gnomAD 0.00453; TOPMed 0.00521; ESP Exome Variant Server 0.00531.
gnomAD v4.1: 1,428 of 1,612,778 alleles (0.089%); highest among the groups gnomAD compares: African/African-American, 1.6%; 10 homozygotes.

Submissions (7):

Labcorp Genetics (formerly Invitae), Labcorp
Classification: Benign. Last evaluated: 2026-01-23. Review status: criteria provided, single submitter. Criteria: Invitae Variant Classification Sherloc (09022015). Collection method: clinical testing. Allele origin: germline.

Blueprint Genetics
Classification: Likely benign. Last evaluated: 2024-11-26. Review status: criteria provided, single submitter. Criteria: ACMG Guidelines, 2015. Collection method: clinical testing. Allele origin: germline.

Genetic Services Laboratory, University of Chicago
Classification: Benign. Last evaluated: 2021-08-17. Review status: criteria provided, single submitter. Criteria: ACMG Guidelines, 2015. Collection method: clinical testing. Allele origin: germline. Affected: no.

Breakthrough Genomics
Classification: Benign. Review status: criteria provided, single submitter. Criteria: ACMG Guidelines, 2015. Collection method: not provided. Allele origin: germline. Inheritance: Autosomal dominant inheritance. Affected: yes.

PreventionGenetics, part of Exact Sciences
Classification: Benign for CNOT1-related condition. Last evaluated: 2019-06-13. Review status: no assertion criteria provided. Collection method: clinical testing. Allele origin: germline. Not counted in ClinVar's aggregate classification.
Comment: This variant is classified as benign based on ACMG/AMP sequence variant interpretation guidelines (Richards et al. 2015 PMID: 25741868, with internal and published modifications).

Dr. Peter K. Rogan Lab, Western University
No classification provided (evidence only). Condition: Uterine corpus endometrial carcinoma. Review status: no classification provided. Collection method: in vitro. Allele origin: not applicable. Functional consequence: retained intron. Not counted in ClinVar's aggregate classification.

Dr. Peter K. Rogan Lab, Western University
No classification provided (evidence only). Condition: Gastric cancer. Review status: no classification provided. Collection method: in vitro. Allele origin: not applicable. Functional consequence: retained intron. Not counted in ClinVar's aggregate classification.